The following is an entry in ClinVar:

NM_000548.5(TSC2):c.13del (p.Thr5fs)

Gene: TSC2 (TSC complex subunit 2; plus strand). Cytogenetic location: 16p13.3.
Variant type: Deletion.
Coding change: c.13del on transcript NM_000548.5 (MANE Select); coding-DNA position 13, one base deleted (A; older notation c.13delA).
Protein change: p.Thr5fs; shifts the reading frame from threonine 5.
Molecular consequence: frameshift variant. On other transcripts: 5 prime UTR variant (1), intron variant (1).
Genome position (GRCh38, 1-based): chr16:2,048,628, A deleted; the last of 2 consecutive A bases (chr16:2,048,627-2,048,628); deleting either gives the same sequence. VCF-style (leftmost placement, unchanged base first): chr16-2048626-CA-C. GRCh37 (hg19) VCF-style: chr16-2098627-CA-C.
Other names: c.13del, p.Thr5fs (NM_001077183.3, NM_001114382.3, NM_001318827.2 and 4 more transcripts); c.-214del (NM_001318831.2); c.46del, p.Thr16fs (NM_001318832.2); c.-10+563del (NM_001318829.2); short protein forms T16fs, T5fs.
Identifiers: ClinVar variation 838370 (VCV000838370.1), dbSNP rs2084669441, ClinGen allele CA916081755.
Genomic context (GRCh38, chr16:2,048,626, plus strand): 5'-ATTCCTGTTTCGTTTGCACAGAGGGGTTTTCTGGTGCGTCCTGGTCCACCATGGCCAAAC[CA>C]ACAAGCAAAGATTCAGGCTTGAAGGAGAAGTTTAAGATTCTGTTGGGACTGGGAACACCG-3'

ClinVar aggregate classification (germline): Pathogenic (1 of 4 stars; one submission).

Conditions:
Tuberous sclerosis 2 (TSC2). Identifiers: Orphanet 805, MedGen C1860707, MONDO:0013199, OMIM 613254.

Submission:

Labcorp Genetics (formerly Invitae), Labcorp
Classification: Pathogenic for Tuberous sclerosis 2. Last evaluated: 2019-04-15. Review status: criteria provided, single submitter. Criteria: Invitae Variant Classification Sherloc (09022015). Collection method: clinical testing. Allele origin: germline.
Comment: This sequence change creates a premature translational stop signal (p.Thr5Glnfs*7) in the TSC2 gene. It is expected to result in an absent or disrupted protein product. This variant is not present in population databases (ExAC no frequency). This variant has not been reported in the literature in individuals with TSC2-related conditions. Loss-of-function variants in TSC2 are known to be pathogenic (PMID: 10205261, 17304050). For these reasons, this variant has been classified as Pathogenic.